The following is an entry in ClinVar:

ClinVar aggregate classification (germline): Likely benign (1 of 4 stars; one submission).

gnomAD v4.1: 1 of 1,613,632 alleles (0.000062%); highest among the groups gnomAD compares: South Asian, 0.0011%; no homozygotes.

Submission:

CeGaT Center for Human Genetics Tuebingen
Classification: Likely benign. Last evaluated: 2025-03-01. Review status: criteria provided, single submitter. Criteria: CeGaT Center For Human Genetics Tuebingen Variant Classification Criteria Version 2. Collection method: clinical testing. Allele origin: germline. Affected: yes. Observed: 1 variant allele.
Comment: COL3A1: BP4, BP7

NM_000090.4(COL3A1):c.1404A>C (p.Gly468=)

Gene: COL3A1 (collagen type III alpha 1 chain; plus strand). Cytogenetic location: 2q32.2.
Variant type: single nucleotide variant.
Coding change: c.1404A>C on transcript NM_000090.4 (MANE Select); coding-DNA position 1404, A replaced by C.
Protein change: p.Gly468=; no amino-acid change (glycine 468 retained).
Molecular consequence: synonymous variant.
Genome position (GRCh38, 1-based): chr2:188,994,780, A>C. VCF-style: chr2-188994780-A-C. GRCh37 (hg19) VCF-style: chr2-189859506-A-C.
Identifiers: ClinVar variation 3778557 (VCV003778557.7).